The following is an entry in ClinVar:

NM_005422.4(TECTA):c.553G>A (p.Glu185Lys)

Genes: TBCEL-TECTA (TBCEL-TECTA readthrough; plus strand), TECTA (tectorin alpha; plus strand). Cytogenetic location: 11q23.3.
Variant type: single nucleotide variant.
Coding change: c.553G>A on transcript NM_005422.4 (MANE Select); coding-DNA position 553, G replaced by A.
Protein change: p.Glu185Lys; replaces glutamic acid 185 with lysine.
Molecular consequence: missense variant.
Genome position (GRCh38, 1-based): chr11:121,113,138, G>A. VCF-style: chr11-121113138-G-A. GRCh37 (hg19) VCF-style: chr11-120983847-G-A.
Other names: c.1510G>A, p.Glu504Lys (NM_001378761.1); short protein forms E185K, E504K.
Identifiers: ClinVar variation 2437029 (VCV002437029.4), dbSNP rs867836820, ClinGen allele CA229831725.

ClinVar aggregate classification (germline): Uncertain significance. Review status: criteria provided, multiple submitters, no conflicts (2 of 4 stars). 2 submissions from 2 submitters: Uncertain significance (2). Last evaluated 2024-12-11.

gnomAD v4.1: 5 of 1,614,040 alleles (0.00031%); highest among the groups gnomAD compares: Non-Finnish European, 0.00034%; no homozygotes.

Submissions (2):

GeneDx
Classification: Uncertain significance. Last evaluated: 2024-12-11. Review status: criteria provided, single submitter. Criteria: GeneDx Variant Classification Process June 2021. Collection method: clinical testing. Allele origin: germline. Affected: yes.
Comment: Not observed at significant frequency in large population cohorts (gnomAD); In silico analysis indicates that this missense variant does not alter protein structure/function; Has not been previously published as pathogenic or benign to our knowledge; This variant is associated with the following publications: (PMID: 21520338, 31554319, 9590290)

Revvity Omics, Revvity
Classification: Uncertain significance. Last evaluated: 2021-02-18. Review status: criteria provided, single submitter. Criteria: ACMG Guidelines, 2015. Collection method: clinical testing. Allele origin: germline.